The following is an entry in ClinVar:

ClinVar aggregate classification (germline): Uncertain significance (1 of 4 stars; one submission).

Submission:

Women's Health and Genetics/Laboratory Corporation of America, LabCorp
Classification: Uncertain significance. Last evaluated: 2025-02-10. Review status: criteria provided, single submitter. Criteria: LabCorp Variant Classification Summary - May 2015. Collection method: clinical testing. Allele origin: germline.
Comment: Variant summary: SLC12A3 c.1852G>T (p.Ala618Ser) results in a conservative amino acid change located in the Amino acid permease domain of the encoded protein sequence. Three of five in-silico tools predict a damaging effect of the variant on protein function. The frequency data for this variant in gnomAD is considered unreliable, as metrics indicate poor data quality at this position. c.1852G>T has been reported in the literature in at-least one individual affected with Familial Hypokalemia-Hypomagnesemia (example: Vargas-Poussou_2011). These report(s) do not provide unequivocal conclusions about association of the variant with Familial Hypokalemia-Hypomagnesemia. To our knowledge, no experimental evidence demonstrating an impact on protein function has been reported. The following publication has been ascertained in the context of this evaluation (PMID: 21415153). No submitters have cited clinical-significance assessments for this variant to ClinVar. Based on the evidence outlined above, the variant was classified as uncertain significance.

Literature cited by the submitters: PubMed 21415153.

NM_001126108.2(SLC12A3):c.1852G>T (p.Ala618Ser)

Gene: SLC12A3 (solute carrier family 12 member 3; plus strand). Cytogenetic location: 16q13.
Variant type: single nucleotide variant.
Coding change: c.1852G>T on transcript NM_001126108.2 (MANE Select); coding-DNA position 1852, G replaced by T.
Protein change: p.Ala618Ser; replaces alanine 618 with serine.
Molecular consequence: missense variant.
Genome position (GRCh38, 1-based): chr16:56,885,291, G>T. VCF-style: chr16-56885291-G-T. GRCh37 (hg19) VCF-style: chr16-56919203-G-T.
Other names: c.1852G>T, p.Ala618Ser (NM_000339.3); c.1849G>T, p.Ala617Ser (NM_001126107.2, NM_001410896.1); short protein forms A617S, A618S.
Identifiers: ClinVar variation 3768643 (VCV003768643.1).